The following is an entry in ClinVar:

NM_001171.6(ABCC6):c.2758G>C (p.Ala920Pro)

Gene: ABCC6 (ATP binding cassette subfamily C member 6; minus strand). Cytogenetic location: 16p13.11.
Variant type: single nucleotide variant.
Coding change: c.2758G>C on transcript NM_001171.6 (MANE Select); coding-DNA position 2758, G replaced by C.
Protein change: p.Ala920Pro; replaces alanine 920 with proline.
Molecular consequence: missense variant. On other transcripts: non-coding transcript variant (1).
Genome position (GRCh38, 1-based): chr16:16,173,313, C>G on the plus strand (G>C on the coding strand, the complement: ABCC6 is on the minus strand). VCF-style: chr16-16173313-C-G. GRCh37 (hg19) VCF-style: chr16-16267170-C-G.
Other names: c.2416G>C, p.Ala806Pro (NM_001351800.1); c.2758G>C (NM_001171.5); short protein forms A806P, A920P.
Identifiers: ClinVar variation 2120483 (VCV002120483.5), dbSNP rs2047171836, ClinGen allele CA394885848.

ClinVar aggregate classification (germline): Uncertain significance. Review status: criteria provided, multiple submitters, no conflicts (2 of 4 stars). 3 submissions from 3 submitters: Uncertain significance (3). Last evaluated 2025-08-31.

Conditions:
Inborn genetic diseases. Identifiers: MedGen C0950123, MeSH D030342.
Pseudoxanthoma elasticum, forme fruste. Also called: Pseudoxanthoma Elasticum, Incomplete; PSEUDOXANTHOMA ELASTICUM, HETEROZYGOUS. Identifiers: Orphanet 758, MedGen C1867450, MONDO:0008333, OMIM 177850.
Autosomal recessive inherited pseudoxanthoma elasticum (PXE). Identifiers: Orphanet 758, MedGen CN032334, MONDO:0009925, OMIM 264800.
Arterial calcification, generalized, of infancy, 2. Identifiers: Orphanet 51608, MedGen C3276161, MONDO:0013768, OMIM 614473.

Allele frequency attached by ClinVar (database versions not stated): TOPMed below 0.00001.

Submissions (3):

Ambry Genetics
Classification: Uncertain significance for Inborn genetic diseases. Last evaluated: 2025-08-31. Review status: criteria provided, single submitter. Criteria: Ambry Variant Classification Scheme 2023. Collection method: clinical testing. Allele origin: germline.

Fulgent Genetics
Classification: Uncertain significance for Pseudoxanthoma elasticum, forme fruste; Autosomal recessive inherited pseudoxanthoma elasticum; Arterial calcification, generalized, of infancy, 2. Last evaluated: 2024-05-14. Review status: criteria provided, single submitter. Criteria: ACMG Guidelines, 2015. Collection method: clinical testing. Allele origin: germline.

Labcorp Genetics (formerly Invitae), Labcorp
Classification: Uncertain significance. Last evaluated: 2022-08-16. Review status: criteria provided, single submitter. Criteria: Invitae Variant Classification Sherloc (09022015). Collection method: clinical testing. Allele origin: germline.
Comment: This variant has not been reported in the literature in individuals affected with ABCC6-related conditions. Advanced modeling of protein sequence and biophysical properties (such as structural, functional, and spatial information, amino acid conservation, physicochemical variation, residue mobility, and thermodynamic stability) performed at Invitae indicates that this missense variant is not expected to disrupt ABCC6 protein function. In summary, the available evidence is currently insufficient to determine the role of this variant in disease. Therefore, it has been classified as a Variant of Uncertain Significance. This sequence change replaces alanine, which is neutral and non-polar, with proline, which is neutral and non-polar, at codon 920 of the ABCC6 protein (p.Ala920Pro). This variant is not present in population databases (gnomAD no frequency).